The following is an entry in ClinVar:

NM_000254.3(MTR):c.1992T>A (p.Asp664Glu)

Gene: MTR (5-methyltetrahydrofolate-homocysteine methyltransferase; plus strand). Cytogenetic location: 1q43.
Variant type: single nucleotide variant.
Coding change: c.1992T>A on transcript NM_000254.3 (MANE Select); coding-DNA position 1992, T replaced by A.
Protein change: p.Asp664Glu; replaces aspartic acid 664 with glutamic acid.
Molecular consequence: missense variant.
Genome position (GRCh38, 1-based): chr1:236,859,871, T>A. VCF-style: chr1-236859871-T-A. GRCh37 (hg19) VCF-style: chr1-237023171-T-A.
Other names: c.1992T>A, p.Asp664Glu (NM_001291939.1, NM_001410942.1); c.771T>A, p.Asp257Glu (NM_001291940.2); short protein forms D257E, D664E.
Identifiers: ClinVar variation 1918588 (VCV001918588.2), dbSNP rs775984505, ClinGen allele CA1474238.

ClinVar aggregate classification (germline): Uncertain significance (1 of 4 stars; one submission).

Conditions:
Methylcobalamin deficiency type cblG (HMAG). Also called: HOMOCYSTINURIA-MEGALOBLASTIC ANEMIA, cblG TYPE; HOMOCYSTINURIA-MEGALOBLASTIC ANEMIA DUE TO DEFECT IN COBALAMIN METABOLISM, cblG COMPLEMENTATION TYPE; Functional methionine synthase deficiency type cblG; HOMOCYSTINURIA-MEGALOBLASTIC ANEMIA, cblG COMPLEMENTATION TYPE. Identifiers: Orphanet 2170, Orphanet 622, MedGen C1855128, MONDO:0009609, OMIM 250940.

Allele frequency attached by ClinVar (database versions not stated): TOPMed below 0.00001; gnomAD 0.00001; ExAC 0.00002.
gnomAD v4.1: 12 of 1,613,902 alleles (0.00074%); highest among the groups gnomAD compares: East Asian, 0.025%; no homozygotes.

Submission:

Labcorp Genetics (formerly Invitae), Labcorp
Classification: Uncertain significance for Methylcobalamin deficiency type cblG. Last evaluated: 2022-07-23. Review status: criteria provided, single submitter. Criteria: Invitae Variant Classification Sherloc (09022015). Collection method: clinical testing. Allele origin: germline.
Comment: This sequence change replaces aspartic acid, which is acidic and polar, with glutamic acid, which is acidic and polar, at codon 664 of the MTR protein (p.Asp664Glu). This variant is present in population databases (rs775984505, gnomAD 0.01%). This variant has not been reported in the literature in individuals affected with MTR-related conditions. Algorithms developed to predict the effect of missense changes on protein structure and function are either unavailable or do not agree on the potential impact of this missense change (SIFT: "Deleterious"; PolyPhen-2: "Benign"; Align-GVGD: "Class C0"). In summary, the available evidence is currently insufficient to determine the role of this variant in disease. Therefore, it has been classified as a Variant of Uncertain Significance.